The following is an entry in ClinVar:

ClinVar aggregate classification (germline): Uncertain significance (1 of 4 stars; one submission).

Conditions:
Charcot-Marie-Tooth disease type 2. Also called: Charcot-Marie-Tooth type 2. Identifiers: Orphanet 64746, MedGen C0270914, MONDO:0018993.

Allele frequency attached by ClinVar (database versions not stated): gnomAD exomes below 0.00001.
gnomAD v4.1: 1 of 1,614,106 alleles (0.000062%); highest among the groups gnomAD compares: Non-Finnish European, 0.000085%; no homozygotes.

Submission:

Labcorp Genetics (formerly Invitae), Labcorp
Classification: Uncertain significance for Charcot-Marie-Tooth disease type 2. Last evaluated: 2023-09-09. Review status: criteria provided, single submitter. Criteria: Invitae Variant Classification Sherloc (09022015). Collection method: clinical testing. Allele origin: germline.
Comment: In summary, the available evidence is currently insufficient to determine the role of this variant in disease. Therefore, it has been classified as a Variant of Uncertain Significance. Algorithms developed to predict the effect of sequence changes on RNA splicing suggest that this variant may disrupt the consensus splice site. This variant has not been reported in the literature in individuals affected with MFN2-related conditions. This variant is not present in population databases (gnomAD no frequency). This sequence change falls in intron 3 of the MFN2 gene. It does not directly change the encoded amino acid sequence of the MFN2 protein.

NM_014874.4(MFN2):c.176-14A>G

Gene: MFN2 (mitofusin 2; plus strand). Cytogenetic location: 1p36.22.
Variant type: single nucleotide variant.
Coding change: c.176-14A>G on transcript NM_014874.4 (MANE Select); 14 bases into the intron before coding-DNA position 176, A replaced by G.
Molecular consequence: intron variant.
Genome position (GRCh38, 1-based): chr1:11,992,541, A>G. VCF-style: chr1-11992541-A-G. GRCh37 (hg19) VCF-style: chr1-12052598-A-G.
Other names: c.176-14A>G (NM_001127660.2).
Identifiers: ClinVar variation 2872416 (VCV002872416.3), dbSNP rs2100812425, ClinGen allele CA2643319886.